The following is an entry in ClinVar:

NM_000553.6(WRN):c.839+3T>C

Gene: WRN (WRN RecQ like helicase; plus strand). Cytogenetic location: 8p12.
Variant type: single nucleotide variant.
Coding change: c.839+3T>C on transcript NM_000553.6 (MANE Select); 3 bases into the intron after coding-DNA position 839, T replaced by C.
Molecular consequence: intron variant.
Genome position (GRCh38, 1-based): chr8:31,076,290, T>C. VCF-style: chr8-31076290-T-C. GRCh37 (hg19) VCF-style: chr8-30933806-T-C.
Identifiers: ClinVar variation 528110 (VCV000528110.16), dbSNP rs368367429, ClinGen allele CA4704174.
Genomic context (GRCh38, chr8:31,076,290, plus strand): 5'-TGATGGATCTGGCTAAGCATCTTCCTCATGCTTTCAGTAAATTGGAAAACCCACGGAGGT[T>C]AAATATTACCTTTTTTTTTTTTAACTTAAATCAATTCTGTTTATTTTTTTATCACATTTT-3'

ClinVar aggregate classification (germline): Likely benign. Review status: criteria provided, multiple submitters, no conflicts (2 of 4 stars). 2 submissions from 2 submitters: Likely benign (2). Last evaluated 2026-01-25.

Conditions:
Werner syndrome (WRN). Identifiers: Orphanet 902, MedGen C0043119, MONDO:0010196, OMIM 277700.

Allele frequency attached by ClinVar (database versions not stated): ExAC 0.00007; ESP Exome Variant Server 0.00008; gnomAD exomes 0.00009 and 0.00013; gnomAD 0.00016 and 0.00025; TOPMed 0.00019.
gnomAD v4.1: 226 of 1,606,170 alleles (0.014%); highest among the groups gnomAD compares: Non-Finnish European, 0.017%; no homozygotes.

Submissions (2):

Labcorp Genetics (formerly Invitae), Labcorp
Classification: Likely benign for Werner syndrome. Last evaluated: 2026-01-25. Review status: criteria provided, single submitter. Criteria: Invitae Variant Classification Sherloc (09022015). Collection method: clinical testing. Allele origin: germline.

CeGaT Center for Human Genetics Tuebingen
Classification: Likely benign. Last evaluated: 2025-08-01. Review status: criteria provided, single submitter. Criteria: CeGaT Center For Human Genetics Tuebingen Variant Classification Criteria Version 2. Collection method: clinical testing. Allele origin: germline. Affected: yes. Observed: 1 variant allele.
Comment: WRN: BP4